The following is an entry in ClinVar:

NM_147127.5(EVC2):c.1228C>G (p.Leu410Val)

Genes: EVC2 (EvC ciliary complex subunit 2; minus strand), LOC126806961 (BRD4-independent group 4 enhancer GRCh37_chr4:5641443-5642642; plus strand). Cytogenetic location: 4p16.2.
Variant type: single nucleotide variant.
Coding change: c.1228C>G on transcript NM_147127.5 (MANE Select); coding-DNA position 1228, C replaced by G.
Protein change: p.Leu410Val; replaces leucine 410 with valine.
Molecular consequence: missense variant.
Genome position (GRCh38, 1-based): chr4:5,640,756, G>C on the plus strand (C>G on the coding strand, the complement: EVC2 is on the minus strand). VCF-style: chr4-5640756-G-C. GRCh37 (hg19) VCF-style: chr4-5642483-G-C.
Other names: c.988C>G, p.Leu330Val (NM_001166136.2); short protein forms L410V, L330V.
Identifiers: ClinVar variation 2069626 (VCV002069626.4), dbSNP rs2475438828, ClinGen allele CA356152252.
Genomic context (GRCh38, chr4:5,640,756, plus strand): 5'-CACTCATTTTTCTCTCTACTTGGGGTGAGAGGTGGCCACTGCTGGTGAGATTTTTCAGCA[G>C]AAGGGCAATGATATCCTTGCTGATTTGTGTTCGACAAGCCTCCAGATCTGCATCTGCCCG-3'
Protein context (NP_667338.3, residues 400-420): TQISKDIIAL[Leu410Val]LKNLTSSGHL

ClinVar aggregate classification (germline): Uncertain significance (1 of 4 stars; one submission).

Conditions:
Curry-Hall syndrome (WAD). Also called: WEYERS ACRODENTAL DYSOSTOSIS. Identifiers: Orphanet 952, MedGen C0457013, MONDO:0008673, OMIM 193530.
Ellis-van Creveld syndrome (EVC). Also called: Chondroectodermal dysplasia; MESOECTODERMAL DYSPLASIA; EVC-Related Ellis-van Creveld Syndrome; EVC2-Related Ellis-van Creveld Syndrome. Identifiers: Orphanet 289, MedGen C0013903, MONDO:0009162, OMIM 225500.

Submission:

Labcorp Genetics (formerly Invitae), Labcorp
Classification: Uncertain significance for Curry-Hall syndrome; Ellis-van Creveld syndrome. Last evaluated: 2022-07-19. Review status: criteria provided, single submitter. Criteria: Invitae Variant Classification Sherloc (09022015). Collection method: clinical testing. Allele origin: germline.
Comment: In summary, the available evidence is currently insufficient to determine the role of this variant in disease. Therefore, it has been classified as a Variant of Uncertain Significance. Algorithms developed to predict the effect of missense changes on protein structure and function are either unavailable or do not agree on the potential impact of this missense change (SIFT: "Deleterious"; PolyPhen-2: "Probably Damaging"; Align-GVGD: "Class C0"). This variant has not been reported in the literature in individuals affected with EVC2-related conditions. This variant is not present in population databases (gnomAD no frequency). This sequence change replaces leucine, which is neutral and non-polar, with valine, which is neutral and non-polar, at codon 410 of the EVC2 protein (p.Leu410Val).